The following is an entry in ClinVar:

ClinVar aggregate classification (germline): Uncertain significance. Review status: criteria provided, multiple submitters, no conflicts (2 of 4 stars). 2 submissions from 2 submitters: Uncertain significance (2). Last evaluated 2026-08-13.

gnomAD v4.1: 1 of 1,614,168 alleles (0.000062%); no homozygotes.

Submissions (2):

GeneDx
Classification: Uncertain significance. Last evaluated: 2026-08-13. Review status: criteria provided, single submitter. Criteria: GeneDx Variant Classification Process June 2021. Collection method: clinical testing. Allele origin: germline.
Comment: Not observed at significant frequency in large population cohorts (gnomAD); In silico analysis suggests that this missense variant does not alter protein structure/function; Has not been previously published as pathogenic or benign to our knowledge

CeGaT Center for Human Genetics Tuebingen
Classification: Uncertain significance. Last evaluated: 2025-09-01. Review status: criteria provided, single submitter. Criteria: CeGaT Center For Human Genetics Tuebingen Variant Classification Criteria Version 2. Collection method: clinical testing. Allele origin: germline. Affected: yes. Observed: 1 variant allele.

NM_006734.4(HIVEP2):c.5954C>T (p.Thr1985Ile)

Gene: HIVEP2 (HIVEP zinc finger 2; minus strand). Cytogenetic location: 6q24.2.
Variant type: single nucleotide variant.
Coding change: c.5954C>T on transcript NM_006734.4 (MANE Select); coding-DNA position 5954, C replaced by T.
Protein change: p.Thr1985Ile; replaces threonine 1985 with isoleucine.
Molecular consequence: missense variant.
Genome position (GRCh38, 1-based): chr6:142,760,334, G>A on the plus strand (C>T on the coding strand, the complement: HIVEP2 is on the minus strand). VCF-style: chr6-142760334-G-A. GRCh37 (hg19) VCF-style: chr6-143081471-G-A.
Other names: short protein forms T1985I.
Identifiers: ClinVar variation 3774015 (VCV003774015.10).
Genomic context (GRCh38, chr6:142,760,334, plus strand): 5'-TTGCTCTGGAATAGCCTCTGGTATTCTGTCATCTGGGTATCTTCACATGAATCACTGGGT[G>A]TCATAAGCTGAGTAACTCGAATACTTGGCAAAGTAACCAAATAGCTGATCAACGAAGAAT-3'
Protein context (NP_006725.3, residues 1975-1995): LPSIRVTQLM[Thr1985Ile]PSDSCEDTQM